The following is an entry in ClinVar:

ClinVar aggregate classification (germline): Benign/Likely benign. Review status: criteria provided, multiple submitters, no conflicts (2 of 4 stars). 2 submissions from 2 submitters: Benign (1); Likely benign (1). Last evaluated 2025-11-23.

Allele frequency attached by ClinVar (database versions not stated): 1000 Genomes Project 30x 0.00016; 1000 Genomes Project 0.00020; gnomAD 0.00024; ESP Exome Variant Server 0.00038; ExAC 0.00044; gnomAD exomes 0.00044.
gnomAD v4.1: 672 of 1,612,894 alleles (0.042%); highest among the groups gnomAD compares: Non-Finnish European, 0.054%; no homozygotes.

Submissions (2):

Labcorp Genetics (formerly Invitae), Labcorp
Classification: Benign. Last evaluated: 2025-11-23. Review status: criteria provided, single submitter. Criteria: Invitae Variant Classification Sherloc (09022015). Collection method: clinical testing. Allele origin: germline.

CeGaT Center for Human Genetics Tuebingen
Classification: Likely benign. Last evaluated: 2025-03-01. Review status: criteria provided, single submitter. Criteria: CeGaT Center For Human Genetics Tuebingen Variant Classification Criteria Version 2. Collection method: clinical testing. Allele origin: germline. Affected: yes. Observed: 3 variant alleles.
Comment: BRD4: BP4, BP7

NM_001379291.1(BRD4):c.903C>T (p.Asp301=)

Gene: BRD4 (bromodomain containing 4; minus strand). Cytogenetic location: 19p13.12.
Variant type: single nucleotide variant.
Coding change: c.903C>T on transcript NM_001379291.1 (MANE Select); coding-DNA position 903, C replaced by T.
Protein change: p.Asp301=; no amino-acid change (aspartic acid 301 retained).
Molecular consequence: synonymous variant.
Genome position (GRCh38, 1-based): chr19:15,264,713, G>A on the plus strand (C>T on the coding strand, the complement: BRD4 is on the minus strand). VCF-style: chr19-15264713-G-A. GRCh37 (hg19) VCF-style: chr19-15375524-G-A.
Other names: c.903C>T, p.Asp301= (NM_001330384.2, NM_001379292.1, NM_014299.3 and 1 more transcripts).
Identifiers: ClinVar variation 2649485 (VCV002649485.27), dbSNP rs143194525, ClinGen allele CA9265497.
Genomic context (GRCh38, chr19:15,264,713, plus strand): 5'-CCGCTGGCCCAGCTTGGTGGTCTTGGGCTCCGGGGGCAGCGAGGGTGGCTCGTGAATGGG[G>A]TCAATGGTGGTGGGGGTGGTGGTGTCTGCTTTCCTCTTCACTCCCTTCTTTGTCTGCCAA-3'
Protein context (NP_001366220.1, residues 291-311): KADTTTPTTI[Asp301=]PIHEPPSLPP